The following is an entry in ClinVar:

NM_000170.3(GLDC):c.2951del (p.Pro984fs)

Gene: GLDC (glycine decarboxylase; minus strand). Cytogenetic location: 9p24.1.
Variant type: Deletion.
Coding change: c.2951del on transcript NM_000170.3 (MANE Select); coding-DNA position 2951, one base deleted (C; older notation c.2951delC).
Protein change: p.Pro984fs; shifts the reading frame from proline 984.
Molecular consequence: frameshift variant.
Genome position (GRCh38, 1-based): chr9:6,533,129, G deleted on the plus strand (C on the coding strand, the reverse complement: GLDC is on the minus strand); the first of 2 consecutive G bases (chr9:6,533,129-6,533,130); deleting either gives the same sequence. VCF-style (leftmost placement, unchanged base first): chr9-6533128-TG-T. GRCh37 (hg19) VCF-style: chr9-6533128-TG-T.
Other names: short protein forms P984fs.
Identifiers: ClinVar variation 1879731 (VCV001879731.29), dbSNP rs2489006115, ClinGen allele CA2580080232.

ClinVar aggregate classification (germline): Likely pathogenic (1 of 4 stars; one submission).

Submission:

CeGaT Center for Human Genetics Tuebingen
Classification: Likely pathogenic. Last evaluated: 2023-11-01. Review status: criteria provided, single submitter. Criteria: CeGaT Center For Human Genetics Tuebingen Variant Classification Criteria Version 2. Collection method: clinical testing. Allele origin: germline. Affected: yes. Observed: 2 variant alleles.
Comment: GLDC: PM2, PP4:Moderate, PVS1:Moderate